The following is an entry in ClinVar:

NM_018238.4(AGK):c.669-212G>A

Gene: AGK (acylglycerol kinase; plus strand). Cytogenetic location: 7q34.
Variant type: single nucleotide variant.
Coding change: c.669-212G>A on transcript NM_018238.4 (MANE Select); 212 bases into the intron before coding-DNA position 669, G replaced by A.
Molecular consequence: intron variant.
Genome position (GRCh38, 1-based): chr7:141,636,748, G>A. VCF-style: chr7-141636748-G-A. GRCh37 (hg19) VCF-style: chr7-141336548-G-A.
Other names: c.669-212G>A (NM_001364948.3).
Identifiers: ClinVar variation 669757 (VCV000669757.2), dbSNP rs12703401, ClinGen allele CA168059003.

ClinVar aggregate classification (germline): Benign. Review status: criteria provided, multiple submitters, no conflicts (2 of 4 stars). 2 submissions from 2 submitters: Benign (2). Last evaluated 2018-06-14.

Allele frequency attached by ClinVar (database versions not stated): gnomAD 0.04529 and 0.04809; TOPMed 0.04945; 1000 Genomes Project 0.07288; 1000 Genomes Project 30x 0.07433.
gnomAD v4.1: 7,257 of 152,168 alleles (4.8%); highest among the groups gnomAD compares: South Asian, 14%; 298 homozygotes.

Submissions (2):

GeneDx
Classification: Benign. Last evaluated: 2018-06-14. Review status: criteria provided, single submitter. Criteria: GeneDx Variant Classification (06012015). Collection method: clinical testing. Allele origin: germline. Affected: yes.
Comment: This variant is considered likely benign or benign based on one or more of the following criteria: it is a conservative change, it occurs at a poorly conserved position in the protein, it is predicted to be benign by multiple in silico algorithms, and/or has population frequency not consistent with disease.

Breakthrough Genomics
Classification: Benign. Review status: criteria provided, single submitter. Criteria: ACMG Guidelines, 2015. Collection method: not provided. Allele origin: germline. Inheritance: Autosomal recessive inheritance. Affected: yes.